The following is an entry in ClinVar:

ClinVar aggregate classification (germline): Uncertain significance. Review status: criteria provided, multiple submitters, no conflicts (2 of 4 stars). 4 submissions from 4 submitters: Uncertain significance (4). Last evaluated 2026-01-05.

Conditions:
Inborn genetic diseases. Identifiers: MedGen C0950123, MeSH D030342.

Allele frequency attached by ClinVar (database versions not stated): gnomAD exomes 0.00003 and 0.00004; ExAC 0.00004; gnomAD 0.00007; ESP Exome Variant Server 0.00008; TOPMed 0.00012.
gnomAD v4.1: 49 of 1,613,498 alleles (0.003%); highest among the groups gnomAD compares: African/African-American, 0.015%; no homozygotes.

Submissions (4):

Women's Health and Genetics/Laboratory Corporation of America, LabCorp
Classification: Uncertain significance. Last evaluated: 2026-01-05. Review status: criteria provided, single submitter. Criteria: LabCorp Variant Classification Summary - May 2015. Collection method: clinical testing. Allele origin: germline.
Comment: Variant summary: MME c.770G>A (p.Arg257His) results in a non-conservative amino acid change in the encoded protein sequence. Algorithms developed to predict the effect of missense changes on protein structure and function are either unavailable or do not agree on the potential impact of this missense change. The variant allele was found at a frequency of 4e-05 in 250934 control chromosomes. This frequency is not significantly higher than estimated for disease-causing variants in MME, allowing no conclusion about variant significance. To our knowledge, no occurrence of c.770G>A in individuals affected with MME-related conditions and no experimental evidence demonstrating its impact on protein function have been reported. ClinVar contains an entry for this variant (Variation ID: 1511183). Based on the evidence outlined above, the variant was classified as uncertain significance.

Ambry Genetics
Classification: Uncertain significance for Inborn genetic diseases. Last evaluated: 2024-05-23. Review status: criteria provided, single submitter. Criteria: Ambry Variant Classification Scheme 2023. Collection method: clinical testing. Allele origin: germline.

Blueprint Genetics
Classification: Uncertain significance. Last evaluated: 2024-01-23. Review status: criteria provided, single submitter. Criteria: ACMG Guidelines, 2015. Collection method: clinical testing. Allele origin: germline.

Labcorp Genetics (formerly Invitae), Labcorp
Classification: Uncertain significance. Last evaluated: 2023-07-17. Review status: criteria provided, single submitter. Criteria: Invitae Variant Classification Sherloc (09022015). Collection method: clinical testing. Allele origin: germline.
Comment: This sequence change replaces arginine, which is basic and polar, with histidine, which is basic and polar, at codon 257 of the MME protein (p.Arg257His). This variant is present in population databases (rs199818584, gnomAD 0.02%). This variant has not been reported in the literature in individuals affected with MME-related conditions. ClinVar contains an entry for this variant (Variation ID: 1511183). Advanced modeling of protein sequence and biophysical properties (such as structural, functional, and spatial information, amino acid conservation, physicochemical variation, residue mobility, and thermodynamic stability) performed at Invitae indicates that this missense variant is not expected to disrupt MME protein function. In summary, the available evidence is currently insufficient to determine the role of this variant in disease. Therefore, it has been classified as a Variant of Uncertain Significance.

NM_007289.4(MME):c.770G>A (p.Arg257His)

Gene: MME (membrane metalloendopeptidase; plus strand). Cytogenetic location: 3q25.2.
Variant type: single nucleotide variant.
Coding change: c.770G>A on transcript NM_007289.4 (MANE Select); coding-DNA position 770, G replaced by A.
Protein change: p.Arg257His; replaces arginine 257 with histidine.
Molecular consequence: missense variant.
Genome position (GRCh38, 1-based): chr3:155,138,151, G>A. VCF-style: chr3-155138151-G-A. GRCh37 (hg19) VCF-style: chr3-154855940-G-A.
Other names: c.770G>A (NM_007289.2); c.770G>A, p.Arg257His (NM_000902.5, NM_001354642.2, NM_001354643.1 and 2 more transcripts); short protein forms R257H.
Identifiers: ClinVar variation 1511183 (VCV001511183.8), dbSNP rs199818584, ClinGen allele CA2675272.